The following is an entry in ClinVar:

ClinVar aggregate classification (germline): Likely benign (1 of 4 stars; one submission).

Conditions:
LRRC45-related disorder. Also called: LRRC45-related condition.

Submission:

PreventionGenetics, part of Exact Sciences
Classification: Likely benign for LRRC45-related condition. Last evaluated: 2025-01-07. Review status: criteria provided, single submitter. Criteria: ACMG Guidelines, 2015. Collection method: clinical testing. Allele origin: germline.
Comment: This variant is classified as likely benign based on ACMG/AMP sequence variant interpretation guidelines (Richards et al. 2015 PMID: 25741868, with internal and published modifications).

NM_144999.4(LRRC45):c.1494+6C>G

Gene: LRRC45 (leucine rich repeat containing 45; plus strand). Cytogenetic location: 17q25.3.
Variant type: single nucleotide variant.
Coding change: c.1494+6C>G on transcript NM_144999.4 (MANE Select); 6 bases into the intron after coding-DNA position 1494, C replaced by G.
Molecular consequence: intron variant.
Genome position (GRCh38, 1-based): chr17:82,029,641, C>G. VCF-style: chr17-82029641-C-G. GRCh37 (hg19) VCF-style: chr17-79987517-C-G.
Identifiers: ClinVar variation 4998979 (VCV004998979.1).